The following is an entry in ClinVar:

ClinVar aggregate classification (germline): Pathogenic (1 of 4 stars; one submission).

Submission:

Labcorp Genetics (formerly Invitae), Labcorp
Classification: Pathogenic. Last evaluated: 2024-01-22. Review status: criteria provided, single submitter. Criteria: Invitae Variant Classification Sherloc (09022015). Collection method: clinical testing. Allele origin: germline.
Comment: This sequence change creates a premature translational stop signal (p.Phe974Leufs*6) in the ADGRV1 gene. It is expected to result in an absent or disrupted protein product. Loss-of-function variants in ADGRV1 are known to be pathogenic (PMID: 19357117, 22135276, 22147658, 26226137, 30718709, 31047384, 32467589). This variant is present in population databases (rs753701569, gnomAD 0.0009%). This variant has not been reported in the literature in individuals affected with ADGRV1-related conditions. For these reasons, this variant has been classified as Pathogenic.

Literature cited by the submitters: PubMed 19357117; PubMed 22135276; PubMed 22147658; PubMed 26226137; PubMed 30718709; PubMed 31047384; PubMed 32467589.

NM_032119.4(ADGRV1):c.2922del (p.Phe974fs)

Gene: ADGRV1 (adhesion G protein-coupled receptor V1; plus strand). Cytogenetic location: 5q14.3.
Variant type: Deletion.
Coding change: c.2922del on transcript NM_032119.4 (MANE Select); coding-DNA position 2922, one base deleted (T; older notation c.2922delT).
Protein change: p.Phe974fs; shifts the reading frame from phenylalanine 974.
Molecular consequence: frameshift variant. On other transcripts: non-coding transcript variant (1).
Genome position (GRCh38, 1-based): chr5:90,645,991, T deleted; the last of 3 consecutive T bases (chr5:90,645,989-90,645,991); deleting any one gives the same sequence. VCF-style (leftmost placement, unchanged base first): chr5-90645988-AT-A. GRCh37 (hg19) VCF-style: chr5-89941805-AT-A.
Other names: short protein forms F974fs.
Identifiers: ClinVar variation 2770427 (VCV002770427.3), dbSNP rs753701569, ClinGen allele CA3339059.
Genomic context (GRCh38, chr5:90,645,988, plus strand): 5'-TATAAGTCACCTGACTTAAAACGTGTAACATTTTCCAAAGATTCCAGAAGAAATGGAAGA[AT>A]TTACCGTTATCCTACTGAATGGCACTGGAGGAGCTAAAGTGGGAAATAGAACAACTGCAA-3'